The following is an entry in ClinVar:

ClinVar aggregate classification (germline): Likely pathogenic. Review status: criteria provided, multiple submitters, no conflicts (2 of 4 stars). 2 submissions from 2 submitters: Likely pathogenic (2). Last evaluated 2024-05-16.

Conditions:
Cohen syndrome (COH1). Also called: Cutis verticis gyrata, retinitis pigmentosa, and sensorineural deafness; PEPPER SYNDROME. Identifiers: Orphanet 193, MedGen C0265223, MONDO:0008999, OMIM 216550.

Submissions (2):

Fulgent Genetics
Classification: Likely pathogenic for Cohen syndrome. Last evaluated: 2024-05-16. Review status: criteria provided, single submitter. Criteria: ACMG Guidelines, 2015. Collection method: clinical testing. Allele origin: germline.

Labcorp Genetics (formerly Invitae), Labcorp
Classification: Likely pathogenic for Cohen syndrome. Last evaluated: 2022-10-13. Review status: criteria provided, single submitter. Criteria: Invitae Variant Classification Sherloc (09022015). Collection method: clinical testing. Allele origin: germline.
Comment: In summary, the currently available evidence indicates that the variant is pathogenic, but additional data are needed to prove that conclusively. Therefore, this variant has been classified as Likely Pathogenic. This sequence change affects a donor splice site in intron 13 of the VPS13B gene. It is expected to disrupt RNA splicing. Variants that disrupt the donor or acceptor splice site typically lead to a loss of protein function (PMID: 16199547), and loss-of-function variants in VPS13B are known to be pathogenic (PMID: 15141358, 16648375, 20461111). This variant is not present in population databases (gnomAD no frequency). This variant has not been reported in the literature in individuals affected with VPS13B-related conditions. Algorithms developed to predict the effect of sequence changes on RNA splicing suggest that this variant may disrupt the consensus splice site.

Literature cited by the submitters: PubMed 16199547 (cited by Labcorp Genetics (formerly Invitae), Labcorp); PubMed 15141358 (cited by Labcorp Genetics (formerly Invitae), Labcorp); PubMed 16648375 (cited by Labcorp Genetics (formerly Invitae), Labcorp); PubMed 20461111 (cited by Labcorp Genetics (formerly Invitae), Labcorp).

NM_152564.5(VPS13B):c.1843+1G>A

Gene: VPS13B (vacuolar protein sorting 13 homolog B; plus strand). Cytogenetic location: 8q22.2.
Variant type: single nucleotide variant.
Coding change: c.1843+1G>A on transcript NM_152564.5 (MANE Select); the canonical splice donor site of the intron after coding-DNA position 1843, G replaced by A.
Molecular consequence: splice donor variant.
Genome position (GRCh38, 1-based): chr8:99,143,166, G>A. VCF-style: chr8-99143166-G-A. GRCh37 (hg19) VCF-style: chr8-100155394-G-A.
Other names: c.1843+1G>A (NM_017890.4, NM_017890.5, NM_015243.3).
Identifiers: ClinVar variation 2121155 (VCV002121155.5), dbSNP rs1350917774, ClinGen allele CA371864212.